The following is an entry in ClinVar:

NM_000268.4(NF2):c.1089G>A (p.Met363Ile)

Gene: NF2 (NF2, moesin-ezrin-radixin like (MERLIN) tumor suppressor; plus strand). Cytogenetic location: 22q12.2.
Variant type: single nucleotide variant.
Coding change: c.1089G>A on transcript NM_000268.4 (MANE Select); coding-DNA position 1089, G replaced by A.
Protein change: p.Met363Ile; replaces methionine 363 with isoleucine.
Molecular consequence: missense variant. On other transcripts: non-coding transcript variant (1), intron variant (1).
Genome position (GRCh38, 1-based): chr22:29,671,915, G>A. VCF-style: chr22-29671915-G-A. GRCh37 (hg19) VCF-style: chr22-30067904-G-A.
Other names: c.975G>A, p.Met325Ile (NM_001407053.1, NM_001407056.1); c.966G>A, p.Met322Ile (NM_001407054.1, NM_001407058.1, NM_181829.3); c.963G>A, p.Met321Ile (NM_001407055.1, NM_181828.3); c.954G>A, p.Met318Ile (NM_001407057.1, NM_001407059.1); c.1089G>A, p.Met363Ile (NM_001407060.1, NM_001407066.1, NM_016418.5 and 2 more transcripts); c.831G>A, p.Met277Ile (NM_001407062.1); c.840G>A, p.Met280Ile (NM_001407063.1, NM_001407064.1, NM_181830.3 and 1 more transcripts); c.555G>A, p.Met185Ile (NM_001407065.1); and 2 more; short protein forms M280I, M321I, M325I, M318I, M277I, M286I, M322I, M185I.
Identifiers: ClinVar variation 2198567 (VCV002198567.5), dbSNP rs2147073425, ClinGen allele CA411147084.

ClinVar aggregate classification (germline): Uncertain significance. Review status: criteria provided, multiple submitters, no conflicts (2 of 4 stars). 2 submissions from 2 submitters: Uncertain significance (2). Last evaluated 2024-03-07.

Conditions:
Hereditary cancer-predisposing syndrome. Also called: Neoplastic Syndromes, Hereditary; Tumor predisposition; Hereditary Cancer Syndrome; Hereditary neoplastic syndrome. Identifiers: Orphanet 140162, MedGen C0027672, MeSH D009386, MONDO:0015356.
Neurofibromatosis, type 2 (SWNV). Also called: BILATERAL ACOUSTIC NEUROFIBROMATOSIS; SCHWANNOMATOSIS, VESTIBULAR; NF2-Related Schwannomatosis. Identifiers: Orphanet 637, MedGen C0027832, MONDO:0007039, OMIM 101000. Disease mechanism: loss of function.

Submissions (2):

Ambry Genetics
Classification: Uncertain significance for Hereditary cancer-predisposing syndrome. Last evaluated: 2024-03-07. Review status: criteria provided, single submitter. Criteria: Ambry Variant Classification Scheme 2023. Collection method: clinical testing. Allele origin: germline.
Comment: The p.M363I variant (also known as c.1089G>A), located in coding exon 11 of the NF2 gene, results from a G to A substitution at nucleotide position 1089. The methionine at codon 363 is replaced by isoleucine, an amino acid with highly similar properties. This amino acid position is conserved. In addition, this alteration is predicted to be tolerated by in silico analysis. Based on the available evidence, the clinical significance of this alteration remains unclear.

Labcorp Genetics (formerly Invitae), Labcorp
Classification: Uncertain significance for Neurofibromatosis, type 2. Last evaluated: 2022-05-29. Review status: criteria provided, single submitter. Criteria: Invitae Variant Classification Sherloc (09022015). Collection method: clinical testing. Allele origin: germline.
Comment: In summary, the available evidence is currently insufficient to determine the role of this variant in disease. Therefore, it has been classified as a Variant of Uncertain Significance. This sequence change replaces methionine, which is neutral and non-polar, with isoleucine, which is neutral and non-polar, at codon 363 of the NF2 protein (p.Met363Ile). This variant is not present in population databases (gnomAD no frequency). This variant has not been reported in the literature in individuals affected with NF2-related conditions. Algorithms developed to predict the effect of missense changes on protein structure and function (SIFT, PolyPhen-2, Align-GVGD) all suggest that this variant is likely to be tolerated.